The following is an entry in ClinVar:

ClinVar aggregate classification (germline): Uncertain significance (1 of 4 stars; one submission).

gnomAD v4.1: 7 of 1,613,988 alleles (0.00043%); highest among the groups gnomAD compares: African/African-American, 0.0093%; no homozygotes.

Submission:

Labcorp Genetics (formerly Invitae), Labcorp
Classification: Uncertain significance. Last evaluated: 2024-04-23. Review status: criteria provided, single submitter. Criteria: Invitae Variant Classification Sherloc (09022015). Collection method: clinical testing. Allele origin: germline.
Comment: This sequence change replaces glycine, which is neutral and non-polar, with alanine, which is neutral and non-polar, at codon 349 of the FGB protein (p.Gly349Ala). This variant is present in population databases (rs764989450, gnomAD 0.01%). This variant has not been reported in the literature in individuals affected with FGB-related conditions. Advanced modeling of protein sequence and biophysical properties (such as structural, functional, and spatial information, amino acid conservation, physicochemical variation, residue mobility, and thermodynamic stability) performed at Invitae indicates that this missense variant is not expected to disrupt FGB protein function with a negative predictive value of 80%. In summary, the available evidence is currently insufficient to determine the role of this variant in disease. Therefore, it has been classified as a Variant of Uncertain Significance.

NM_005141.5(FGB):c.1046G>C (p.Gly349Ala)

Gene: FGB (fibrinogen beta chain; plus strand). Cytogenetic location: 4q31.3.
Variant type: single nucleotide variant.
Coding change: c.1046G>C on transcript NM_005141.5 (MANE Select); coding-DNA position 1046, G replaced by C.
Protein change: p.Gly349Ala; replaces glycine 349 with alanine.
Molecular consequence: missense variant.
Genome position (GRCh38, 1-based): chr4:154,569,601, G>C. VCF-style: chr4-154569601-G-C. GRCh37 (hg19) VCF-style: chr4-155490753-G-C.
Other names: c.1046G>C, p.Gly349Ala (NM_001382761.1, NM_001382764.1, NM_001382765.1 and 1 more transcripts); c.746G>C, p.Gly249Ala (NM_001382762.1); c.1037G>C, p.Gly346Ala (NM_001382763.1); c.869G>C, p.Gly290Ala (NM_001184741.1); c.914G>C, p.Gly305Ala (NM_001382759.1); short protein forms G249A, G290A, G305A, G346A, G349A.
Identifiers: ClinVar variation 3662066 (VCV003662066.2).